The following is an entry in ClinVar:

ClinVar aggregate classification (germline): Uncertain significance (1 of 4 stars; one submission).

Allele frequency attached by ClinVar (database versions not stated): gnomAD exomes below 0.00001.
gnomAD v4.1: 1 of 1,614,184 alleles (0.000062%); highest among the groups gnomAD compares: African/African-American, 0.0013%; no homozygotes.

Submission:

GeneDx
Classification: Uncertain significance. Last evaluated: 2022-07-25. Review status: criteria provided, single submitter. Criteria: GeneDx Variant Classification Process June 2021. Collection method: clinical testing. Allele origin: germline. Affected: yes.
Comment: Not observed at significant frequency in large population cohorts (gnomAD); In silico analysis supports that this missense variant has a deleterious effect on protein structure/function; Has not been previously published as pathogenic or benign to our knowledge

NM_000254.3(MTR):c.3292G>T (p.Gly1098Cys)

Gene: MTR (5-methyltetrahydrofolate-homocysteine methyltransferase; plus strand). Cytogenetic location: 1q43.
Variant type: single nucleotide variant.
Coding change: c.3292G>T on transcript NM_000254.3 (MANE Select); coding-DNA position 3292, G replaced by T.
Protein change: p.Gly1098Cys; replaces glycine 1098 with cysteine.
Molecular consequence: missense variant.
Genome position (GRCh38, 1-based): chr1:236,894,444, G>T. VCF-style: chr1-236894444-G-T. GRCh37 (hg19) VCF-style: chr1-237057744-G-T.
Other names: c.3139G>T, p.Gly1047Cys (NM_001291939.1); c.2071G>T, p.Gly691Cys (NM_001291940.2); c.3103G>T, p.Gly1035Cys (NM_001410942.1); short protein forms G1035C, G1047C, G1098C, G691C.
Identifiers: ClinVar variation 2412893 (VCV002412893.3), dbSNP rs1666507141, ClinGen allele CA345388660.